The following is an entry in ClinVar:

ClinVar aggregate classification (germline): Uncertain significance. Review status: criteria provided, multiple submitters, no conflicts (2 of 4 stars). 3 submissions from 2 submitters: Uncertain significance (2). 1 of the submissions does not count toward it. Last evaluated 2025-01-10.

Conditions:
NSD1-related disorder. Also called: NSD1-related condition.
Sotos syndrome (SOTOS). Also called: Distinctive facial appearance, overgrowth in childhood, and learning disabilities or delayed development; CEREBRAL GIGANTISM; Sotos' syndrome; CHROMOSOME 5q35 DELETION SYNDROME; SOTOS SYNDROME 1. Identifiers: Orphanet 821, MedGen C0175695, MONDO:0019349, OMIM 117550.

gnomAD v4.1: 2 of 1,614,182 alleles (0.00012%); highest among the groups gnomAD compares: South Asian, 0.0011%; no homozygotes.

Submissions (3):

PreventionGenetics, part of Exact Sciences
Classification: Uncertain significance for NSD1-related condition. Last evaluated: 2025-01-10. Review status: criteria provided, single submitter. Criteria: ACMG Guidelines, 2015. Collection method: clinical testing. Allele origin: germline.
Comment: The NSD1 c.524C>T variant is predicted to result in the amino acid substitution p.Thr175Ile. To our knowledge, this variant has not been reported in the literature or in a large population database (gnomAD), indicating this variant is rare. At this time, the clinical significance of this variant is uncertain due to the absence of conclusive functional and genetic evidence.

Labcorp Genetics (formerly Invitae), Labcorp
Classification: Uncertain significance. Last evaluated: 2017-12-27. Review status: criteria provided, single submitter. Criteria: Invitae Variant Classification Sherloc (09022015). Collection method: clinical testing. Allele origin: germline.
Comment: In summary, the available evidence is currently insufficient to determine the role of this variant in disease. Therefore, it has been classified as a Variant of Uncertain Significance. Algorithms developed to predict the effect of missense changes on protein structure and function (SIFT, PolyPhen-2, Align-GVGD) all suggest that this variant is likely to be tolerated, but these predictions have not been confirmed by published functional studies and their clinical significance is uncertain. This variant has not been reported in the literature in individuals with NSD1-related disease. This variant is not present in population databases (ExAC no frequency). This sequence change replaces threonine with isoleucine at codon 175 of the NSD1 protein (p.Thr175Ile). The threonine residue is weakly conserved and there is a moderate physicochemical difference between threonine and isoleucine.

Labcorp Genetics (formerly Invitae), Labcorp
Classification: Uncertain significance. Last evaluated: 2021-09-01. Review status: flagged submission. Criteria: Invitae Variant Classification Sherloc (09022015). Collection method: clinical testing. Allele origin: germline. Not counted in ClinVar's aggregate classification.
Comment: This sequence change replaces threonine with isoleucine at codon 175 of the NSD1 protein (p.Thr175Ile). The threonine residue is weakly conserved and there is a moderate physicochemical difference between threonine and isoleucine. This variant is not present in population databases (ExAC no frequency). This variant has not been reported in the literature in individuals affected with NSD1-related conditions. Algorithms developed to predict the effect of missense changes on protein structure and function (SIFT, PolyPhen-2, Align-GVGD) all suggest that this variant is likely to be tolerated. In summary, the available evidence is currently insufficient to determine the role of this variant in disease. Therefore, it has been classified as a Variant of Uncertain Significance.
ClinVar note: Reason: This record appears to be redundant with a more recent record from the same submitter.
ClinVar note: Notes: SCV001563940 appears to be redundant with SCV000749453.

NM_022455.5(NSD1):c.524C>T (p.Thr175Ile)

Gene: NSD1 (nuclear receptor binding SET domain protein 1; plus strand). Cytogenetic location: 5q35.3.
Variant type: single nucleotide variant.
Coding change: c.524C>T on transcript NM_022455.5 (MANE Select); coding-DNA position 524, C replaced by T.
Protein change: p.Thr175Ile; replaces threonine 175 with isoleucine.
Molecular consequence: missense variant. On other transcripts: intron variant (8).
Genome position (GRCh38, 1-based): chr5:177,135,627, C>T. VCF-style: chr5-177135627-C-T. GRCh37 (hg19) VCF-style: chr5-176562628-C-T.
Other names: c.524C>T, p.Thr175Ile (NM_001409301.1, NM_001409302.1, NM_001409303.1); c.417+107C>T (NM_001409304.1); c.-36-314C>T (NM_001409305.1, NM_001409306.1, NM_001409308.1 and 4 more transcripts); short protein forms T175I.
Identifiers: ClinVar variation 524701 (VCV000524701.10), dbSNP rs1554167548, ClinGen allele CA362293974.